The following is an entry in ClinVar:

ClinVar aggregate classification (germline): Conflicting classifications of pathogenicity. Review status: criteria provided, conflicting classifications (1 of 4 stars). 4 submissions from 4 submitters: Uncertain significance (2); Likely benign (1). 1 of the submissions does not count toward it. Last evaluated 2025-10-13.

Conditions:
Inborn genetic diseases. Identifiers: MedGen C0950123, MeSH D030342.
Abnormal bleeding. Also called: Bleeding diathesis. Identifiers: MedGen C1458140, HP:0001892.
Thrombocytopenia. Identifiers: MedGen C0040034, MeSH D013921, MONDO:0002049, HP:0001873.

Allele frequency attached by ClinVar (database versions not stated): ExAC 0.00002; gnomAD exomes 0.00003; gnomAD 0.00004; TOPMed 0.00009.
gnomAD v4.1: 48 of 1,613,960 alleles (0.003%); highest among the groups gnomAD compares: Admixed American, 0.033%; no homozygotes.

Submissions (4):

Mayo Clinic Laboratories, Mayo Clinic
Classification: Likely benign. Last evaluated: 2025-10-13. Review status: criteria provided, single submitter. Criteria: ACMG Guidelines, 2015. Collection method: clinical testing. Allele origin: germline. Observed: 1 variant allele.
Comment: BS1_supporting, BP4_moderate

Ambry Genetics
Classification: Uncertain significance for Inborn genetic diseases. Last evaluated: 2024-11-20. Review status: criteria provided, single submitter. Criteria: Ambry Variant Classification Scheme 2023. Collection method: clinical testing. Allele origin: germline.
Comment: The p.Y194D variant (also known as c.580T>G), located in coding exon 4 of the MECOM gene, results from a T to G substitution at nucleotide position 580. The tyrosine at codon 194 is replaced by aspartic acid, an amino acid with highly dissimilar properties. This amino acid position is conserved. In addition, this alteration is predicted to be tolerated by in silico analysis. Based on the available evidence, the clinical significance of this variant remains unclear.

Labcorp Genetics (formerly Invitae), Labcorp
Classification: Uncertain significance. Last evaluated: 2024-04-20. Review status: criteria provided, single submitter. Criteria: Invitae Variant Classification Sherloc (09022015). Collection method: clinical testing. Allele origin: germline.
Comment: This sequence change replaces tyrosine, which is neutral and polar, with aspartic acid, which is acidic and polar, at codon 6 of the MECOM protein (p.Tyr6Asp). This variant is present in population databases (rs745797691, gnomAD 0.02%). This variant has not been reported in the literature in individuals affected with MECOM-related conditions. ClinVar contains an entry for this variant (Variation ID: 988838). Algorithms developed to predict the effect of missense changes on protein structure and function output the following: SIFT: "Not Available"; PolyPhen-2: "Benign"; Align-GVGD: "Not Available". The aspartic acid amino acid residue is found in multiple mammalian species, which suggests that this missense change does not adversely affect protein function. In summary, the available evidence is currently insufficient to determine the role of this variant in disease. Therefore, it has been classified as a Variant of Uncertain Significance.

Birmingham Platelet Group; University of Birmingham
Classification: Uncertain significance for Thrombocytopenia; Abnormal bleeding. Last evaluated: 2020-05-01. Review status: no assertion criteria provided. Collection method: research. Allele origin: germline. Affected: yes. Not counted in ClinVar's aggregate classification.

NM_004991.4(MECOM):c.580T>G (p.Tyr194Asp)

Gene: MECOM (MDS1 and EVI1 complex locus; minus strand). Cytogenetic location: 3q26.2.
Variant type: single nucleotide variant.
Coding change: c.580T>G on transcript NM_004991.4 (MANE Select); coding-DNA position 580, T replaced by G.
Protein change: p.Tyr194Asp; replaces tyrosine 194 with aspartic acid.
Molecular consequence: missense variant.
Genome position (GRCh38, 1-based): chr3:169,131,462, A>C on the plus strand (T>G on the coding strand, the complement: MECOM is on the minus strand). VCF-style: chr3-169131462-A-C. GRCh37 (hg19) VCF-style: chr3-168849250-A-C.
Other names: p.Tyr194Asp; c.208T>G, p.Tyr70Asp (NM_001105077.4); c.16T>G, p.Tyr6Asp (NM_001105078.4, NM_001163999.2, NM_001164000.2 and 9 more transcripts); c.580T>G, p.Tyr194Asp (NM_001366466.2, NM_001366473.2); short protein forms Y194D, Y6D, Y70D.
Identifiers: ClinVar variation 988838 (VCV000988838.8), dbSNP rs745797691, ClinGen allele CA2696521.
Genomic context (GRCh38, chr3:169,131,462, plus strand): 5'-AAGGAGGGTGGCGTGAGTGGTACTAACCGTGGATATCCGGCGCCATAGTTTCATGGGGAT[A>C]GTCTTCGCTCTTCATGAACAGCAGAAGCTCCTCTCCCGGCGCAATGTCTGCAACTACTCT-3'
Protein context (NP_004982.2, residues 184-204): ELLLFMKSED[Tyr194Asp]PHETMAPDIH